The following is an entry in ClinVar:

NM_004366.6(CLCN2):c.280C>T (p.Leu94=)

Gene: CLCN2 (chloride voltage-gated channel 2; minus strand). Cytogenetic location: 3q27.1.
Variant type: single nucleotide variant.
Coding change: c.280C>T on transcript NM_004366.6 (MANE Select); coding-DNA position 280, C replaced by T.
Protein change: p.Leu94=; no amino-acid change (leucine 94 retained).
Molecular consequence: synonymous variant. On other transcripts: intron variant (1).
Genome position (GRCh38, 1-based): chr3:184,358,754, G>A on the plus strand (C>T on the coding strand, the complement: CLCN2 is on the minus strand). VCF-style: chr3-184358754-G-A. GRCh37 (hg19) VCF-style: chr3-184076542-G-A.
Other names: c.280C>T, p.Leu94= (NM_001171087.3, NM_001171089.3); c.220+221C>T (NM_001171088.3).
Identifiers: ClinVar variation 2654324 (VCV002654324.24), dbSNP rs2474261649, ClinGen allele CA437168258.
Genomic context (GRCh38, chr3:184,358,754, plus strand): 5'-CAGCAATGGCATAGTCCATGACCCAGCTGACCAATGCCATGAGAAGCCCCAGCAGGACCA[G>A]GAAGATCCAATCTTCACCAACCCTGGATACTAGGAACTTGTGGCAGCGGACAGAACAGAC-3'
Protein context (NP_004357.3, residues 84-104): VSRVGEDWIF[Leu94=]VLLGLLMALV

ClinVar aggregate classification (germline): Likely benign (1 of 4 stars; one submission).

Submission:

CeGaT Center for Human Genetics Tuebingen
Classification: Likely benign. Last evaluated: 2023-03-01. Review status: criteria provided, single submitter. Criteria: CeGaT Center For Human Genetics Tuebingen Variant Classification Criteria Version 2. Collection method: clinical testing. Allele origin: germline. Affected: yes. Observed: 1 variant allele.
Comment: CLCN2: PM2:Supporting, BP4, BP7